The following is an entry in ClinVar:

NM_000282.4(PCCA):c.1731T>A (p.Asn577Lys)

Gene: PCCA (propionyl-CoA carboxylase subunit alpha; plus strand). Cytogenetic location: 13q32.3.
Variant type: single nucleotide variant.
Coding change: c.1731T>A on transcript NM_000282.4 (MANE Select); coding-DNA position 1731, T replaced by A.
Protein change: p.Asn577Lys; replaces asparagine 577 with lysine.
Molecular consequence: missense variant. On other transcripts: non-coding transcript variant (2).
Genome position (GRCh38, 1-based): chr13:100,368,559, T>A. VCF-style: chr13-100368559-T-A. GRCh37 (hg19) VCF-style: chr13-101020813-T-A.
Other names: c.1653T>A, p.Asn551Lys (NM_001127692.3, NM_001352607.2); c.1731T>A, p.Asn577Lys (NM_001178004.2, NM_001352605.2, NM_001352609.2); c.1587T>A, p.Asn529Lys (NM_001352606.2); c.1509T>A, p.Asn503Lys (NM_001352608.2); c.786T>A, p.Asn262Lys (NM_001352610.2, NM_001352611.2); c.642T>A, p.Asn214Lys (NM_001352612.2); short protein forms N214K, N262K, N503K, N529K, N577K, N551K.
Identifiers: ClinVar variation 1431622 (VCV001431622.5), dbSNP rs2152811890, ClinGen allele CA388698333.

ClinVar aggregate classification (germline): Uncertain significance (1 of 4 stars; one submission).

Conditions:
Propionic acidemia (PROP). Also called: GLYCINEMIA, KETOTIC; HYPERGLYCINEMIA WITH KETOACIDOSIS AND LEUKOPENIA; KETOTIC HYPERGLYCINEMIA. Identifiers: Orphanet 35, MedGen C0268579, MONDO:0011628, OMIM 606054, HP:0003571.

Submission:

Labcorp Genetics (formerly Invitae), Labcorp
Classification: Uncertain significance for Propionic acidemia. Last evaluated: 2021-10-14. Review status: criteria provided, single submitter. Criteria: Invitae Variant Classification Sherloc (09022015). Collection method: clinical testing. Allele origin: germline.
Comment: This sequence change replaces asparagine with lysine at codon 577 of the PCCA protein (p.Asn577Lys). The asparagine residue is weakly conserved and there is a moderate physicochemical difference between asparagine and lysine. This variant is not present in population databases (ExAC no frequency). This variant has not been reported in the literature in individuals affected with PCCA-related conditions. Algorithms developed to predict the effect of missense changes on protein structure and function (SIFT, PolyPhen-2, Align-GVGD) all suggest that this variant is likely to be tolerated. In summary, the available evidence is currently insufficient to determine the role of this variant in disease. Therefore, it has been classified as a Variant of Uncertain Significance.